The following is an entry in ClinVar:

NM_021956.5(GRIK2):c.963T>C (p.Ala321=)

Gene: GRIK2 (glutamate ionotropic receptor kainate type subunit 2; plus strand). Cytogenetic location: 6q16.3.
Variant type: single nucleotide variant.
Coding change: c.963T>C on transcript NM_021956.5 (MANE Select); coding-DNA position 963, T replaced by C.
Protein change: p.Ala321=; no amino-acid change (alanine 321 retained).
Molecular consequence: synonymous variant.
Genome position (GRCh38, 1-based): chr6:101,799,659, T>C. VCF-style: chr6-101799659-T-C. GRCh37 (hg19) VCF-style: chr6-102247534-T-C.
Other names: c.963T>C, p.Ala321= (NM_001166247.1, NM_175768.3).
Identifiers: ClinVar variation 435365 (VCV000435365.49), dbSNP rs777602036, ClinGen allele CA3939469.

ClinVar aggregate classification (germline): Likely benign. Review status: criteria provided, multiple submitters, no conflicts (2 of 4 stars). 3 submissions from 3 submitters: Likely benign (3). Last evaluated 2024-11-12.

Allele frequency attached by ClinVar (database versions not stated): ExAC 0.00002; gnomAD 0.00002 and 0.00001; TOPMed below 0.00001; gnomAD exomes 0.00001.
gnomAD v4.1: 24 of 1,613,028 alleles (0.0015%); highest among the groups gnomAD compares: Middle Eastern, 0.099%; no homozygotes.

Submissions (3):

Blueprint Genetics
Classification: Likely benign. Last evaluated: 2024-11-12. Review status: criteria provided, single submitter. Criteria: ACMG Guidelines, 2015. Collection method: clinical testing. Allele origin: germline.

CeGaT Center for Human Genetics Tuebingen
Classification: Likely benign. Last evaluated: 2024-03-01. Review status: criteria provided, single submitter. Criteria: CeGaT Center For Human Genetics Tuebingen Variant Classification Criteria Version 2. Collection method: clinical testing. Allele origin: germline. Affected: yes. Observed: 3 variant alleles.
Comment: GRIK2: BP4, BP7

Genetic Services Laboratory, University of Chicago
Classification: Likely benign. Last evaluated: 2015-11-19. Review status: criteria provided, single submitter. Criteria: ACMG Guidelines, 2015. Collection method: clinical testing. Allele origin: germline. Affected: no.